The following is an entry in ClinVar:

ClinVar aggregate classification (germline): Uncertain significance (1 of 4 stars; one submission).

Conditions:
PCNT-related disorder. Also called: PCNT-related condition.

gnomAD v4.1: 10 of 1,612,164 alleles (0.00062%); highest among the groups gnomAD compares: East Asian, 0.0022%; no homozygotes.

Submission:

PreventionGenetics, part of Exact Sciences
Classification: Uncertain significance for PCNT-related condition. Last evaluated: 2026-06-01. Review status: criteria provided, single submitter. Criteria: ACMG Guidelines, 2015. Collection method: clinical testing. Allele origin: germline.
Comment: The PCNT c.5654C>T variant is predicted to result in the amino acid substitution p.Ala1885Val. To our knowledge, this variant has not been reported in the literature. This variant is reported in 0.011% of alleles in individuals of African descent in gnomAD. At this time, the clinical significance of this variant is uncertain due to the absence of conclusive functional and genetic evidence.

NM_006031.6(PCNT):c.5654C>T (p.Ala1885Val)

Gene: PCNT (pericentrin; plus strand). Cytogenetic location: 21q22.3.
Variant type: single nucleotide variant.
Coding change: c.5654C>T on transcript NM_006031.6 (MANE Select); coding-DNA position 5654, C replaced by T.
Protein change: p.Ala1885Val; replaces alanine 1885 with valine.
Molecular consequence: missense variant.
Genome position (GRCh38, 1-based): chr21:46,411,727, C>T. VCF-style: chr21-46411727-C-T. GRCh37 (hg19) VCF-style: chr21-47831641-C-T.
Other names: c.5300C>T, p.Ala1767Val (NM_001315529.2); short protein forms A1885V, A1767V.
Identifiers: ClinVar variation 4986302 (VCV004986302.1).